The following is an entry in ClinVar:

ClinVar aggregate classification (germline): Likely benign. Review status: criteria provided, multiple submitters, no conflicts (2 of 4 stars). 3 submissions from 3 submitters: Likely benign (2). 1 of the submissions does not count toward it. Last evaluated 2026-01-19.

Conditions:
EYS-related disorder. Also called: EYS-related condition.

Allele frequency attached by ClinVar (database versions not stated): gnomAD exomes 0.00001 and 0.00005; ExAC 0.00009; 1000 Genomes Project 30x 0.00016; gnomAD 0.00019 and 0.00021; TOPMed 0.00019; 1000 Genomes Project 0.00020; ESP Exome Variant Server 0.00022.
gnomAD v4.1: 41 of 1,542,102 alleles (0.0027%); highest among the groups gnomAD compares: African/African-American, 0.048%; no homozygotes.

Submissions (3):

Labcorp Genetics (formerly Invitae), Labcorp
Classification: Likely benign. Last evaluated: 2026-01-19. Review status: criteria provided, single submitter. Criteria: Invitae Variant Classification Sherloc (09022015). Collection method: clinical testing. Allele origin: germline.

Blueprint Genetics
Classification: Likely benign. Last evaluated: 2024-01-30. Review status: criteria provided, single submitter. Criteria: ACMG Guidelines, 2015. Collection method: clinical testing. Allele origin: germline.

PreventionGenetics, part of Exact Sciences
Classification: Likely benign for EYS-related condition. Last evaluated: 2024-08-13. Review status: no assertion criteria provided. Collection method: clinical testing. Allele origin: germline. Not counted in ClinVar's aggregate classification.
Comment: This variant is classified as likely benign based on ACMG/AMP sequence variant interpretation guidelines (Richards et al. 2015 PMID: 25741868, with internal and published modifications).

NM_001142800.2(EYS):c.2992+7C>A

Gene: EYS (EGF-like photoreceptor maintenance factor; minus strand). Cytogenetic location: 6q12.
Variant type: single nucleotide variant.
Coding change: c.2992+7C>A on transcript NM_001142800.2 (MANE Select); 7 bases into the intron after coding-DNA position 2992, C replaced by A.
Molecular consequence: intron variant.
Genome position (GRCh38, 1-based): chr6:64,886,690, G>T on the plus strand (C>A on the coding strand, the complement: EYS is on the minus strand). VCF-style: chr6-64886690-G-T. GRCh37 (hg19) VCF-style: chr6-65596583-G-T.
Other names: c.2992+7C>A (NM_001292009.2, NM_001142800.1).
Identifiers: ClinVar variation 1102441 (VCV001102441.12), dbSNP rs371293011, ClinGen allele CA3877228.
Genomic context (GRCh38, chr6:64,886,690, plus strand): 5'-AATATGAGGTTTCTATTTGCTTGCAGACAGAAATATGTTGCTGCACATGGGACAGATATG[G>T]ATTTACCTGTATAACCAGGGGCACAGAGGCAGTTGTATCCATCAGTCCTGTAGACACAAT-3'